The following is an entry in ClinVar:

ClinVar aggregate classification (germline): Conflicting classifications of pathogenicity. Review status: criteria provided, conflicting classifications (1 of 4 stars). 4 submissions from 4 submitters: Uncertain significance (3); Likely benign (1). Last evaluated 2026-01-14.

Conditions:
Aortic aneurysm, familial thoracic 4 (AAT4). Also called: AORTIC ANEURYSM/AORTIC DISSECTION AND PATENT DUCTUS ARTERIOSUS. Identifiers: MedGen C1851504, MONDO:0007568, OMIM 132900.
Familial thoracic aortic aneurysm and aortic dissection (TAAD). Also called: Thoracic aortic aneurysms and dissections. Identifiers: Orphanet 91387, MedGen C4707243, MONDO:0019625.

Allele frequency attached by ClinVar (database versions not stated): TOPMed below 0.00001; gnomAD 0.00001 and 0.00002; gnomAD exomes 0.00002 and 0.00003; ExAC 0.00004; 1000 Genomes Project 0.00040; 1000 Genomes Project 30x 0.00047.
gnomAD v4.1: 47 of 1,611,110 alleles (0.0029%); highest among the groups gnomAD compares: East Asian, 0.0067%; no homozygotes.

Submissions (4):

Labcorp Genetics (formerly Invitae), Labcorp
Classification: Uncertain significance for Aortic aneurysm, familial thoracic 4. Last evaluated: 2026-01-14. Review status: criteria provided, single submitter. Criteria: Invitae Variant Classification Sherloc (09022015). Collection method: clinical testing. Allele origin: germline.
Comment: This sequence change replaces alanine, which is neutral and non-polar, with threonine, which is neutral and polar, at codon 1704 of the MYH11 protein (p.Ala1704Thr). This variant is present in population databases (rs538145374, gnomAD 0.02%). This variant has not been reported in the literature in individuals affected with MYH11-related conditions. ClinVar contains an entry for this variant (Variation ID: 923638). Invitae Evidence Modeling of protein sequence and biophysical properties (such as structural, functional, and spatial information, amino acid conservation, physicochemical variation, residue mobility, and thermodynamic stability) indicates that this missense variant is not expected to disrupt MYH11 protein function with a negative predictive value of 95%. In summary, the available evidence is currently insufficient to determine the role of this variant in disease. Therefore, it has been classified as a Variant of Uncertain Significance.

Color Diagnostics, LLC DBA Color Health
Classification: Uncertain significance for Familial thoracic aortic aneurysm and aortic dissection. Last evaluated: 2024-03-21. Review status: criteria provided, single submitter. Criteria: ACMG Guidelines, 2015. Collection method: clinical testing. Allele origin: germline.
Comment: This missense variant replaces alanine with threonine at codon 1704 of the MYH11 protein. Computational prediction tools indicate that this variant has a neutral impact on protein structure and function. To our knowledge, functional studies have not been reported for this variant. This variant has not been reported in individuals affected with MYH11-related disorders in the literature. This variant has been identified in 5/249050 chromosomes in the general population by the Genome Aggregation Database (gnomAD). The available evidence is insufficient to determine the role of this variant in disease conclusively. Therefore, this variant is classified as a Variant of Uncertain Significance.

Women's Health and Genetics/Laboratory Corporation of America, LabCorp
Classification: Uncertain significance. Last evaluated: 2022-04-21. Review status: criteria provided, single submitter. Criteria: LabCorp Variant Classification Summary - May 2015. Collection method: clinical testing. Allele origin: germline.
Comment: Variant summary: MYH11 c.5110G>A (p.Ala1704Thr) results in a non-conservative amino acid change located in the Myosin tail domain (IPR002928) of the encoded protein sequence. Four of five in-silico tools predict a damaging effect of the variant on protein function. The variant allele was found at a frequency of 2e-05 in 249050 control chromosomes (gnomAD). The available data on variant occurrences in the general population are insufficient to allow any conclusion about variant significance. c.5110G>A has been reported in the literature in one individual affected with developmental Disorder (Turner_2019). The report does not provide unequivocal conclusions about association of the variant with Thoracic Aortic Aneurysms And Dissections. To our knowledge, no experimental evidence demonstrating an impact on protein function has been reported. Two ClinVar submitters (evaluation after 2014) cite the variant as uncertain significance. Based on the evidence outlined above, the variant was classified as uncertain significance.

Ambry Genetics
Classification: Likely benign for Familial thoracic aortic aneurysm and aortic dissection. Last evaluated: 2018-11-07. Review status: criteria provided, single submitter. Criteria: Ambry Variant Classification Scheme 2023. Collection method: clinical testing. Allele origin: germline.

Literature cited by the submitters: PubMed 31785789 (cited by Women's Health and Genetics/Laboratory Corporation of America, LabCorp).

NM_002474.3(MYH11):c.5089G>A (p.Ala1697Thr)

Genes: MYH11 (myosin heavy chain 11; minus strand), NDE1 (nudE neurodevelopment protein 1; plus strand). Cytogenetic location: 16p13.11.
Variant type: single nucleotide variant.
Coding change: c.5089G>A on transcript NM_002474.3 (MANE Select); coding-DNA position 5089, G replaced by A.
Protein change: p.Ala1697Thr; replaces alanine 1697 with threonine.
Molecular consequence: missense variant. On other transcripts: intron variant (2).
Genome position (GRCh38, 1-based): chr16:15,719,302, C>T on the plus strand (G>A on the coding strand, the complement: MYH11 is on the minus strand). VCF-style: chr16-15719302-C-T. GRCh37 (hg19) VCF-style: chr16-15813159-C-T.
Other names: c.5110G>A, p.Ala1704Thr (NM_001040113.2, NM_001040114.2); c.5089G>A, p.Ala1697Thr (NM_022844.3); c.948-4889C>T (NM_001143979.2, NM_017668.3); short protein forms A1697T, A1704T.
Identifiers: ClinVar variation 923638 (VCV000923638.13), dbSNP rs538145374, ClinGen allele CA7921425.
Genomic context (GRCh38, chr16:15,719,302, plus strand): 5'-GCTCCTCTGCCAGTTCCTCCTTCTCGAGGTCCGCTTGTTTGCGAGCCCTCTCAGCGGCGG[C>T]GAGGTCCTAGGTGGGAGGGAGGAAGGCTGTTGTCTGCCAGGGAAAGGCCAAGCCCCACCA-3'
Protein context (NP_002465.1, residues 1687-1707): ADLMQLQEDL[Ala1697Thr]AAERARKQAD